The following is an entry in ClinVar:

ClinVar aggregate classification (germline): Likely benign. Review status: criteria provided, multiple submitters, no conflicts (2 of 4 stars). 2 submissions from 2 submitters: Likely benign (2). Last evaluated 2025-10-19.

Conditions:
Osteogenesis imperfecta type I (OI1). Also called: Classic Non-deforming Osteogenesis Imperfecta with Blue Sclerae; Osteogenesis imperfecta type 1; Lobstein disease; OI, TYPE I; OSTEOGENESIS IMPERFECTA TARDA; OSTEOGENESIS IMPERFECTA WITH BLUE SCLERAE. Identifiers: Orphanet 216796, Orphanet 666, MedGen C0023931, MONDO:0008146, OMIM 166200. Disease mechanism: loss of function.

Allele frequency attached by ClinVar (database versions not stated): gnomAD exomes 0.00001 and 0.00002; ExAC 0.00003; gnomAD 0.00003 and 0.00004; TOPMed 0.00004; ESP Exome Variant Server 0.00008.
gnomAD v4.1: 14 of 1,613,752 alleles (0.00087%); highest among the groups gnomAD compares: Admixed American, 0.01%; no homozygotes.

Submissions (2):

Labcorp Genetics (formerly Invitae), Labcorp
Classification: Likely benign for Osteogenesis imperfecta type I. Last evaluated: 2025-10-19. Review status: criteria provided, single submitter. Criteria: Invitae Variant Classification Sherloc (09022015). Collection method: clinical testing. Allele origin: germline.

GeneDx
Classification: Likely benign. Last evaluated: 2017-08-21. Review status: criteria provided, single submitter. Criteria: GeneDx Variant Classification (06012015). Collection method: clinical testing. Allele origin: germline. Affected: yes.
Comment: This variant is considered likely benign or benign based on one or more of the following criteria: it is a conservative change, it occurs at a poorly conserved position in the protein, it is predicted to be benign by multiple in silico algorithms, and/or has population frequency not consistent with disease.

NM_000088.4(COL1A1):c.544-4A>G

Gene: COL1A1 (collagen type I alpha 1 chain; minus strand). Cytogenetic location: 17q21.33.
Variant type: single nucleotide variant.
Coding change: c.544-4A>G on transcript NM_000088.4 (MANE Select); 4 bases into the intron before coding-DNA position 544, A replaced by G.
Molecular consequence: intron variant.
Genome position (GRCh38, 1-based): chr17:50,198,209, T>C on the plus strand (A>G on the coding strand, the complement: COL1A1 is on the minus strand). VCF-style: chr17-50198209-T-C. GRCh37 (hg19) VCF-style: chr17-48275570-T-C.
Identifiers: ClinVar variation 511624 (VCV000511624.6), dbSNP rs369898579, ClinGen allele CA8645664.
Genomic context (GRCh38, chr17:50,198,209, plus strand): 5'-CTGGATACTCACAGGTGCACCAGGGGGGCCAGGGAGACCACGAGGACCAGAGGGACCCTA[T>C]AGAGGGAGAAGAAAGGGGGGTCATGGTGATCCCTCTGTAGGAAAGCATGTGGATGTAGTC-3'